The following is an entry in ClinVar:

NM_001004334.4(GPR179):c.3382C>T (p.Arg1128Ter)

Gene: GPR179 (G protein-coupled receptor 179; minus strand). Cytogenetic location: 17q12.
Variant type: single nucleotide variant.
Coding change: c.3382C>T on transcript NM_001004334.4 (MANE Select); coding-DNA position 3382, C replaced by T.
Protein change: p.Arg1128Ter; replaces arginine 1128 with a stop codon.
Molecular consequence: nonsense.
Genome position (GRCh38, 1-based): chr17:38,330,187, G>A on the plus strand (C>T on the coding strand, the complement: GPR179 is on the minus strand). VCF-style: chr17-38330187-G-A. GRCh37 (hg19) VCF-style: chr17-36486070-G-A.
Other names: short protein forms R1128*.
Identifiers: ClinVar variation 1411120 (VCV001411120.6), dbSNP rs200796486, ClinGen allele CA290105164.

ClinVar aggregate classification (germline): Uncertain significance. Review status: criteria provided, multiple submitters, no conflicts (2 of 4 stars). 2 submissions from 2 submitters: Uncertain significance (2). Last evaluated 2025-02-02.

Allele frequency attached by ClinVar (database versions not stated): ExAC 0.00015; 1000 Genomes Project 30x 0.00016; gnomAD exomes 0.00016; 1000 Genomes Project 0.00020; gnomAD 0.00030 and 0.00031; ESP Exome Variant Server 0.00032; TOPMed 0.00032.
gnomAD v4.1: 135 of 1,568,912 alleles (0.0086%); highest among the groups gnomAD compares: African/African-American, 0.12%; 1 homozygote.

Submissions (2):

Labcorp Genetics (formerly Invitae), Labcorp
Classification: Uncertain significance. Last evaluated: 2025-02-02. Review status: criteria provided, single submitter. Criteria: Invitae Variant Classification Sherloc (09022015). Collection method: clinical testing. Allele origin: germline.
Comment: This sequence change creates a premature translational stop signal (p.Arg1128*) in the GPR179 gene. While this is not anticipated to result in nonsense mediated decay, it is expected to disrupt the last 1240 amino acid(s) of the GPR179 protein. This variant is present in population databases (rs200796486, gnomAD 0.1%). This variant has not been reported in the literature in individuals affected with GPR179-related conditions. ClinVar contains an entry for this variant (Variation ID: 1411120). Experimental studies and prediction algorithms are not available or were not evaluated, and the functional significance of this variant is currently unknown. In summary, the available evidence is currently insufficient to determine the role of this variant in disease. Therefore, it has been classified as a Variant of Uncertain Significance.

Blueprint Genetics
Classification: Uncertain significance. Last evaluated: 2022-02-23. Review status: criteria provided, single submitter. Criteria: ACMG Guidelines, 2015. Collection method: clinical testing. Allele origin: germline.